The following is an entry in ClinVar:

ClinVar aggregate classification (germline): Uncertain significance (1 of 4 stars; one submission).

gnomAD v4.1: 1 of 1,203,909 alleles (0.000083%); highest among the groups gnomAD compares: African/African-American, 0.0017%; no homozygotes.

Submission:

Labcorp Genetics (formerly Invitae), Labcorp
Classification: Uncertain significance. Last evaluated: 2025-08-22. Review status: criteria provided, single submitter. Criteria: Invitae Variant Classification Sherloc (09022015). Collection method: clinical testing. Allele origin: germline.
Comment: This sequence change affects codon 646 of the FGD1 mRNA. It is a 'silent' change, meaning that it does not change the encoded amino acid sequence of the FGD1 protein. It affects a nucleotide within the consensus splice site. This variant is not present in population databases (gnomAD no frequency). This variant has not been reported in the literature in individuals affected with FGD1-related conditions. Algorithms developed to predict the effect of sequence changes on RNA splicing suggest that this variant is not likely to affect RNA splicing. In summary, the available evidence is currently insufficient to determine the role of this variant in disease. Therefore, it has been classified as a Variant of Uncertain Significance.

NM_004463.3(FGD1):c.1936C>T (p.Leu646=)

Gene: FGD1 (FYVE, RhoGEF and PH domain containing 1; minus strand). Cytogenetic location: Xp11.22.
Variant type: single nucleotide variant.
Coding change: c.1936C>T on transcript NM_004463.3 (MANE Select); coding-DNA position 1936, C replaced by T.
Protein change: p.Leu646=; no amino-acid change (leucine 646 retained).
Molecular consequence: synonymous variant.
Genome position (GRCh38, 1-based): chrX:54,455,527, G>A on the plus strand (C>T on the coding strand, the complement: FGD1 is on the minus strand). VCF-style: chrX-54455527-G-A. GRCh37 (hg19) VCF-style: chrX-54481960-G-A.
Identifiers: ClinVar variation 4725858 (VCV004725858.1).